The following is an entry in ClinVar:

ClinVar aggregate classification (germline): Likely pathogenic (1 of 4 stars; one submission).

Conditions:
Dilated cardiomyopathy 1G (CMD1G). Identifiers: Orphanet 154, MedGen C1858763, MONDO:0011400, OMIM 604145.
Autosomal recessive limb-girdle muscular dystrophy type 2J (LGMDR10). Also called: Limb-girdle muscular dystrophy, type 2J; MUSCULAR DYSTROPHY, LIMB-GIRDLE, AUTOSOMAL RECESSIVE 10. Identifiers: Orphanet 140922, MedGen C1837342, MONDO:0012127, OMIM 608807.

Submission:

Labcorp Genetics (formerly Invitae), Labcorp
Classification: Likely pathogenic for Dilated cardiomyopathy 1G; Autosomal recessive limb-girdle muscular dystrophy type 2J. Last evaluated: 2024-10-17. Review status: criteria provided, single submitter. Criteria: Invitae Variant Classification Sherloc (09022015). Collection method: clinical testing. Allele origin: germline.
Comment: This sequence change creates a premature translational stop signal (p.Tyr22228Leufs*9) in the TTN gene. While this is not anticipated to result in nonsense mediated decay, it is expected to create a truncated TTN protein. This variant is not present in population databases (gnomAD no frequency). This variant has not been reported in the literature in individuals affected with TTN-related conditions. ClinVar contains an entry for this variant (Variation ID: 1492287). This variant is located in the A band of TTN (PMID: 25589632). Truncating variants in this region are significantly overrepresented in patients affected with dilated cardiomyopathy (PMID: 25589632). Truncating variants in this region have also been reported in individuals affected with autosomal recessive centronuclear myopathy (PMID: 23975875). In summary, the currently available evidence indicates that the variant is pathogenic, but additional data are needed to prove that conclusively. Therefore, this variant has been classified as Likely Pathogenic.

Literature cited by the submitters: PubMed 25589632; PubMed 23975875.

NM_001267550.2(TTN):c.66682dup (p.Tyr22228fs)

Genes: TTN-AS1 (TTN antisense RNA 1; plus strand), TTN (titin; minus strand). Cytogenetic location: 2q31.2.
Variant type: Duplication.
Coding change: c.66682dup on transcript NM_001267550.2 (MANE Select); coding-DNA position 66682, one base duplicated (T; older notation c.66682dupT).
Protein change: p.Tyr22228fs; shifts the reading frame from tyrosine 22228.
Molecular consequence: frameshift variant.
Genome position (GRCh38, 1-based): chr2:178,581,586, A duplicated on the plus strand (T on the coding strand, the reverse complement: TTN is on the minus strand). VCF-style (leftmost placement, unchanged base first): chr2-178581585-T-TA. GRCh37 (hg19) VCF-style: chr2-179446312-T-TA.
Other names: c.61759dup, p.Tyr20587fs (NM_001256850.1); c.39487dup, p.Tyr13163fs (NM_003319.4); c.58978dup, p.Tyr19660fs (NM_133378.4); c.39862dup, p.Tyr13288fs (NM_133432.3); c.40063dup, p.Tyr13355fs (NM_133437.4); short protein forms Y13355fs, Y20587fs, Y13163fs, Y19660fs, Y22228fs, Y13288fs.
Identifiers: ClinVar variation 1492287 (VCV001492287.6), dbSNP rs2154177424, ClinGen allele CA2573134190.